The following is an entry in ClinVar:

ClinVar aggregate classification (germline): Conflicting classifications of pathogenicity. Review status: criteria provided, conflicting classifications (1 of 4 stars). 7 submissions from 7 submitters: Uncertain significance (1); Benign (1); Likely benign (2). 3 of the submissions do not count toward it. Last evaluated 2026-01-26.

Conditions:
Epidermolysis bullosa dystrophica. Also called: Dystrophic epidermolysis bullosa, Hallopeau-Siemens type (formerly); Dystrophic epidermolysis bullosa. Identifiers: Orphanet 303, MedGen C0079294, MONDO:0006543.
Epidermolysis bullosa dystrophica inversa, autosomal recessive. Identifiers: MedGen C2673612.

Allele frequency attached by ClinVar (database versions not stated): gnomAD exomes 0.00046 and 0.00049; 1000 Genomes Project 30x 0.00047; TOPMed 0.00048; gnomAD 0.00055 and 0.00056; ExAC 0.00056; 1000 Genomes Project 0.00060; ESP Exome Variant Server 0.00085.
gnomAD v4.1: 764 of 1,613,708 alleles (0.047%); highest among the groups gnomAD compares: Non-Finnish European, 0.056%; 1 homozygote.

Submissions (7):

Labcorp Genetics (formerly Invitae), Labcorp
Classification: Benign. Last evaluated: 2026-01-26. Review status: criteria provided, single submitter. Criteria: Invitae Variant Classification Sherloc (09022015). Collection method: clinical testing. Allele origin: germline.

CeGaT Center for Human Genetics Tuebingen
Classification: Likely benign. Last evaluated: 2025-01-01. Review status: criteria provided, single submitter. Criteria: CeGaT Center For Human Genetics Tuebingen Variant Classification Criteria Version 2. Collection method: clinical testing. Allele origin: germline. Affected: yes. Observed: 2 variant alleles.
Comment: COL7A1: BP4, BP7

Blueprint Genetics
Classification: Likely benign. Last evaluated: 2024-09-30. Review status: criteria provided, single submitter. Criteria: ACMG Guidelines, 2015. Collection method: clinical testing. Allele origin: germline.

Illumina Laboratory Services, Illumina
Classification: Uncertain significance for Dystrophic epidermolysis bullosa. Last evaluated: 2018-01-13. Review status: criteria provided, single submitter. Criteria: ICSL Variant Classification Criteria 13 December 2019. Collection method: clinical testing. Allele origin: germline.

Natera, Inc.
Classification: Benign for Autosomal recessive epidermolysis bullosa dystrophica inversa. Last evaluated: 2020-09-16. Review status: no assertion criteria provided. Collection method: clinical testing. Allele origin: germline. Not counted in ClinVar's aggregate classification.

Clinical Genetics DNA and cytogenetics Diagnostics Lab, Erasmus MC, Erasmus Medical Center
Classification: Likely benign. Review status: no assertion criteria provided. Collection method: clinical testing. Allele origin: germline. Affected: yes. Study: VKGL Data-share Consensus. Not counted in ClinVar's aggregate classification.

Genome Diagnostics Laboratory, Amsterdam University Medical Center
Classification: Likely benign. Review status: no assertion criteria provided. Collection method: clinical testing. Allele origin: germline. Affected: yes. Study: VKGL Data-share Consensus. Not counted in ClinVar's aggregate classification.

NM_000094.4(COL7A1):c.1098G>A (p.Gly366=)

Gene: COL7A1 (collagen type VII alpha 1 chain; minus strand). Cytogenetic location: 3p21.31.
Variant type: single nucleotide variant.
Coding change: c.1098G>A on transcript NM_000094.4 (MANE Select); coding-DNA position 1098, G replaced by A.
Protein change: p.Gly366=; no amino-acid change (glycine 366 retained).
Molecular consequence: synonymous variant.
Genome position (GRCh38, 1-based): chr3:48,592,244, C>T on the plus strand (G>A on the coding strand, the complement: COL7A1 is on the minus strand). VCF-style: chr3-48592244-C-T. GRCh37 (hg19) VCF-style: chr3-48629677-C-T.
Identifiers: ClinVar variation 736164 (VCV000736164.29), dbSNP rs150776274, ClinGen allele CA2381318.
Genomic context (GRCh38, chr3:48,592,244, plus strand): 5'-CTCCAAGTCACGCAGCAACACTGAACCCTGCCCAGGGCCCAGCTCCTGCTGCTGTGTGGG[C>T]CCACCTGCATGGGGGACACCAAGGGGCCAGTGGGCCTTGCAGACTCAGGACTCTACAGCC-3'
Protein context (NP_000085.1, residues 356-376): YRVTWRVLSG[Gly366=]PTQQQELGPG